The following is an entry in ClinVar:

NM_016507.4(CDK12):c.3865G>A (p.Ala1289Thr)

Gene: CDK12 (cyclin dependent kinase 12; plus strand). Cytogenetic location: 17q12.
Variant type: single nucleotide variant.
Coding change: c.3865G>A on transcript NM_016507.4 (MANE Select); coding-DNA position 3865, G replaced by A.
Protein change: p.Ala1289Thr; replaces alanine 1289 with threonine.
Molecular consequence: missense variant.
Genome position (GRCh38, 1-based): chr17:39,530,708, G>A. VCF-style: chr17-39530708-G-A. GRCh37 (hg19) VCF-style: chr17-37686961-G-A.
Other names: c.3838G>A, p.Ala1280Thr (NM_015083.4); short protein forms A1289T, A1280T.
Identifiers: ClinVar variation 3999225 (VCV003999225.1).
Genomic context (GRCh38, chr17:39,530,708, plus strand): 5'-CCCCCCGGACCTCCACCGCCGCCACCTCCACCCCCTCTGGTTGAAGGCGATCTTTCCAGC[G>A]CCCCCCAGGAGTTGAACCCAGCCGTGACAGCCGCCTTGCTGCAACTTTTATCCCAGCCTG-3'
Protein context (NP_057591.2, residues 1279-1299): PPLVEGDLSS[Ala1289Thr]PQELNPAVTA

ClinVar aggregate classification (germline): Uncertain significance (1 of 4 stars; one submission).

gnomAD v4.1: 14 of 1,612,364 alleles (0.00087%); highest among the groups gnomAD compares: Non-Finnish European, 0.0012%; no homozygotes.

Submission:

Ambry Genetics
Classification: Uncertain significance. Last evaluated: 2025-03-16. Review status: criteria provided, single submitter. Criteria: Ambry Variant Classification Scheme 2023. Collection method: clinical testing. Allele origin: germline.
Comment: The p.A1289T variant (also known as c.3865G>A), located in coding exon 14 of the CDK12 gene, results from a G to A substitution at nucleotide position 3865. The alanine at codon 1289 is replaced by threonine, an amino acid with similar properties. This amino acid position is conserved. In addition, this alteration is predicted to be tolerated by in silico analysis. Based on the available evidence, the clinical significance of this variant remains unclear.